The following is an entry in ClinVar:

ClinVar aggregate classification (germline): Benign/Likely benign. Review status: criteria provided, multiple submitters, no conflicts (2 of 4 stars). 3 submissions from 3 submitters: Benign (2); Likely benign (1). Last evaluated 2026-09-01.

Allele frequency attached by ClinVar (database versions not stated): gnomAD 0.00001 and 0.00009; TOPMed 0.00006; ESP Exome Variant Server 0.00008; gnomAD exomes 0.00018 and 0.00042; ExAC 0.00045; 1000 Genomes Project 30x 0.00109; 1000 Genomes Project 0.00140.
gnomAD v4.1: 286 of 1,614,054 alleles (0.018%); highest among the groups gnomAD compares: South Asian, 0.26%; 3 homozygotes.

Submissions (3):

CeGaT Center for Human Genetics Tuebingen
Classification: Likely benign. Last evaluated: 2026-09-01. Review status: criteria provided, single submitter. Criteria: CeGaT Center For Human Genetics Tuebingen Variant Classification Criteria Version 2. Collection method: clinical testing. Allele origin: germline. Affected: yes. Observed: 1 variant allele.
Comment: TRIO: BS1

GeneDx
Classification: Benign. Last evaluated: 2021-07-02. Review status: criteria provided, single submitter. Criteria: GeneDx Variant Classification Process June 2021. Collection method: clinical testing. Allele origin: germline. Affected: yes.

Breakthrough Genomics
Classification: Benign. Review status: criteria provided, single submitter. Criteria: ACMG Guidelines, 2015. Collection method: not provided. Allele origin: germline. Inheritance: Autosomal dominant inheritance. Affected: yes.

NM_007118.4(TRIO):c.202A>G (p.Ile68Val)

Gene: TRIO (trio Rho guanine nucleotide exchange factor; plus strand). Cytogenetic location: 5p15.2.
Variant type: single nucleotide variant.
Coding change: c.202A>G on transcript NM_007118.4 (MANE Select); coding-DNA position 202, A replaced by G.
Protein change: p.Ile68Val; replaces isoleucine 68 with valine.
Molecular consequence: missense variant. On other transcripts: non-coding transcript variant (1).
Genome position (GRCh38, 1-based): chr5:14,270,869, A>G. VCF-style: chr5-14270869-A-G. GRCh37 (hg19) VCF-style: chr5-14270978-A-G.
Other names: short protein forms I68V.
Identifiers: ClinVar variation 1302808 (VCV001302808.4), dbSNP rs146644309, ClinGen allele CA3205355.